The following is an entry in ClinVar:

NM_001378477.3(NYX):c.518_528del (p.Leu173fs)

Gene: NYX (nyctalopin; plus strand). Cytogenetic location: Xp11.4.
Variant type: Deletion.
Coding change: c.518_528del on transcript NM_001378477.3 (MANE Select); coding-DNA positions 518 to 528, 11 bases deleted (TGCGCGGCCTG).
Protein change: p.Leu173fs; shifts the reading frame from leucine 173.
Molecular consequence: frameshift variant.
Genome position (GRCh38, 1-based): chrX:41,473,986-41,473,996, TGCGCGGCCTG deleted. VCF-style (leftmost placement, unchanged base first): chrX-41473985-CTGCGCGGCCTG-C. GRCh37 (hg19) VCF-style: chrX-41333238-CTGCGCGGCCTG-C.
Other names: c.518_528del, p.Leu173fs (NM_022567.3); short protein forms L173fs.
Identifiers: ClinVar variation 1502310 (VCV001502310.6), dbSNP rs2147025694, ClinGen allele CA2573158856.

ClinVar aggregate classification (germline): Pathogenic (1 of 4 stars; one submission).

Submission:

Labcorp Genetics (formerly Invitae), Labcorp
Classification: Pathogenic. Last evaluated: 2022-07-12. Review status: criteria provided, single submitter. Criteria: Invitae Variant Classification Sherloc (09022015). Collection method: clinical testing. Allele origin: germline.
Comment: This variant has not been reported in the literature in individuals affected with NYX-related conditions. This sequence change creates a premature translational stop signal (p.Leu178Argfs*95) in the NYX gene. While this is not anticipated to result in nonsense mediated decay, it is expected to disrupt the last 304 amino acid(s) of the NYX protein. This variant is not present in population databases (gnomAD no frequency). ClinVar contains an entry for this variant (Variation ID: 1502310). This variant disrupts a region of the NYX protein in which other variant(s) (p.Cys362*) have been determined to be pathogenic (Invitae). This suggests that this is a clinically significant region of the protein, and that variants that disrupt it are likely to be disease-causing. For these reasons, this variant has been classified as Pathogenic.